The following is an entry in ClinVar:

ClinVar aggregate classification (germline): Uncertain significance (1 of 4 stars; one submission).

Conditions:
Cutis laxa, autosomal recessive, type 2E. Also called: CUTIS LAXA, AUTOSOMAL RECESSIVE, TYPE IIE. Identifiers: MedGen C5561944, MONDO:0030337, OMIM 619451.

gnomAD v4.1: 9 of 1,607,708 alleles (0.00056%); highest among the groups gnomAD compares: African/African-American, 0.004%; no homozygotes.

Submission:

Neuberg Centre For Genomic Medicine, NCGM
Classification: Uncertain significance for Cutis laxa, autosomal recessive, type 2E. Review status: criteria provided, single submitter. Criteria: ACMG Guidelines, 2015. Collection method: clinical testing. Allele origin: germline. Inheritance: Autosomal recessive inheritance. Affected: yes.
Comment: The observed missense c.2959G>Ap.Gly987Arg variant in LTBP1 gene has not been reported previously as a pathogenic variant nor a benign variant, to our knowledge. The p.Gly987Arg variant is present with allele frequency of 0.0004% in gnomAD Exomes. This variant has not been submitted to the ClinVar database. Multiple lines of computational evidences Polyphen - Probably damaging, SIFT - Damaging and MutationTaster - Disease causing predict a damaging effect on protein structure and function for this variant. SpliceAI predicts this variant to cause splice donor gain 0.56. The reference amino acid change at this position on LTBP1 gene is predicted as conserved by GERP++ and PhyloP across 100 vertebrates. The amino acid Gly at position 987 is changed to a Arg changing protein sequence and it might alter its composition and physico-chemical properties. For these reasons, this variant has been classified as a Variant of Uncertain Significance VUS.

NM_206943.4(LTBP1):c.2959G>A (p.Gly987Arg)

Gene: LTBP1 (latent transforming growth factor beta binding protein 1; plus strand). Cytogenetic location: 2p22.3.
Variant type: single nucleotide variant.
Coding change: c.2959G>A on transcript NM_206943.4 (MANE Select); coding-DNA position 2959, G replaced by A.
Protein change: p.Gly987Arg; replaces glycine 987 with arginine.
Molecular consequence: missense variant.
Genome position (GRCh38, 1-based): chr2:33,275,890, G>A. VCF-style: chr2-33275890-G-A. GRCh37 (hg19) VCF-style: chr2-33500957-G-A.
Other names: c.1981G>A, p.Gly661Arg (NM_000627.4, NM_001166264.2, NM_001394908.1 and 2 more transcripts); c.1822G>A, p.Gly608Arg (NM_001166265.2, NM_001166266.2, NM_001394925.1); c.2800G>A, p.Gly934Arg (NM_001394905.1); c.1978G>A, p.Gly660Arg (NM_001394906.1, NM_001394910.1, NM_001394919.1); c.1894G>A, p.Gly632Arg (NM_001394907.1); c.1855G>A, p.Gly619Arg (NM_001394909.1, NM_001394917.1); c.1852G>A, p.Gly618Arg (NM_001394911.1); c.1819G>A, p.Gly607Arg (NM_001394913.1, NM_001394921.1); and 4 more; short protein forms G566R, G580R, G591R, G607R, G608R, G618R, G619R, G632R.
Identifiers: ClinVar variation 3391283 (VCV003391283.1).